The following is an entry in ClinVar:

ClinVar aggregate classification (germline): Pathogenic (1 of 4 stars; one submission).

Conditions:
Methylmalonic acidemia with homocystinuria, type cblJ (MAHCJ). Also called: METHYLMALONIC ACIDURIA AND HOMOCYSTINURIA, cblJ TYPE. Identifiers: Orphanet 369955, MedGen C3553915, MONDO:0013925, OMIM 614857.

Submission:

Labcorp Genetics (formerly Invitae), Labcorp
Classification: Pathogenic for Methylmalonic acidemia with homocystinuria, type cblJ. Last evaluated: 2023-03-07. Review status: criteria provided, single submitter. Criteria: Invitae Variant Classification Sherloc (09022015). Collection method: clinical testing. Allele origin: germline.
Comment: This variant has not been reported in the literature in individuals affected with ABCD4-related conditions. This variant is not present in population databases (gnomAD no frequency). This sequence change creates a premature translational stop signal (p.Glu480*) in the ABCD4 gene. It is expected to result in an absent or disrupted protein product. Loss-of-function variants in ABCD4 are known to be pathogenic (PMID: 22922874). For these reasons, this variant has been classified as Pathogenic.

Literature cited by the submitters: PubMed 22922874.

NM_005050.4(ABCD4):c.1438G>T (p.Glu480Ter)

Gene: ABCD4 (ATP binding cassette subfamily D member 4; minus strand). Cytogenetic location: 14q24.3.
Variant type: single nucleotide variant.
Coding change: c.1438G>T on transcript NM_005050.4 (MANE Select); coding-DNA position 1438, G replaced by T.
Protein change: p.Glu480Ter; replaces glutamic acid 480 with a stop codon.
Molecular consequence: nonsense. On other transcripts: non-coding transcript variant (10).
Genome position (GRCh38, 1-based): chr14:74,289,501, C>A on the plus strand (G>T on the coding strand, the complement: ABCD4 is on the minus strand). VCF-style: chr14-74289501-C-A. GRCh37 (hg19) VCF-style: chr14-74756204-C-A.
Other names: c.1312G>T, p.Glu438Ter (NM_001353591.2, NM_001353592.2); c.1177G>T, p.Glu393Ter (NM_001353593.2); c.1126G>T, p.Glu376Ter (NM_001353594.2); c.1024G>T, p.Glu342Ter (NM_001353595.2, NM_001353596.2); c.973G>T, p.Glu325Ter (NM_001353597.2); c.961G>T, p.Glu321Ter (NM_001353598.2, NM_001353599.2, NM_001353600.2 and 2 more transcripts); c.649G>T, p.Glu217Ter (NM_001353602.2, NM_001353603.2, NM_001353604.2 and 6 more transcripts); c.1309G>T, p.Glu437Ter (NM_020323.1); and 1 more; short protein forms E321*, E325*, E480*, E217*, E342*, E437*, E376*, E393*.
Identifiers: ClinVar variation 2843505 (VCV002843505.3), dbSNP rs2505238680, ClinGen allele CA390379655.